The following is an entry in ClinVar:

ClinVar aggregate classification (germline): Uncertain significance (1 of 4 stars; one submission).

Conditions:
Inborn genetic diseases. Identifiers: MedGen C0950123, MeSH D030342.

Submission:

Ambry Genetics
Classification: Uncertain significance for Inborn genetic diseases. Last evaluated: 2024-05-02. Review status: criteria provided, single submitter. Criteria: Ambry Variant Classification Scheme 2023. Collection method: clinical testing. Allele origin: germline.
Comment: The p.M973L variant (also known as c.2917A>T), located in coding exon 21 of the MIB1 gene, results from an A to T substitution at nucleotide position 2917. The methionine at codon 973 is replaced by leucine, an amino acid with highly similar properties. This amino acid position is conserved. In addition, the in silico prediction for this alteration is inconclusive. Based on the available evidence, the clinical significance of this variant remains unclear.

NM_020774.4(MIB1):c.2917A>T (p.Met973Leu)

Gene: MIB1 (MIB E3 ubiquitin protein ligase 1; plus strand). Cytogenetic location: 18q11.2.
Variant type: single nucleotide variant.
Coding change: c.2917A>T on transcript NM_020774.4 (MANE Select); coding-DNA position 2917, A replaced by T.
Protein change: p.Met973Leu; replaces methionine 973 with leucine.
Molecular consequence: missense variant.
Genome position (GRCh38, 1-based): chr18:21,864,562, A>T. VCF-style: chr18-21864562-A-T. GRCh37 (hg19) VCF-style: chr18-19444523-A-T.
Other names: short protein forms M973L.
Identifiers: ClinVar variation 3294701 (VCV003294701.1).